The following is an entry in ClinVar:

NM_014425.5(INVS):c.2065A>C (p.Asn689His)

Gene: INVS (inversin; plus strand). Cytogenetic location: 9q31.1.
Variant type: single nucleotide variant.
Coding change: c.2065A>C on transcript NM_014425.5 (MANE Select); coding-DNA position 2065, A replaced by C.
Protein change: p.Asn689His; replaces asparagine 689 with histidine.
Molecular consequence: missense variant. On other transcripts: non-coding transcript variant (1).
Genome position (GRCh38, 1-based): chr9:100,284,600, A>C. VCF-style: chr9-100284600-A-C. GRCh37 (hg19) VCF-style: chr9-103046882-A-C.
Other names: c.1777A>C, p.Asn593His (NM_001318381.2); c.1087A>C, p.Asn363His (NM_001318382.2); short protein forms N363H, N593H, N689H.
Identifiers: ClinVar variation 1015125 (VCV001015125.10), dbSNP rs1355652364, ClinGen allele CA374240806.

ClinVar aggregate classification (germline): Uncertain significance (1 of 4 stars; one submission).

Conditions:
Nephronophthisis. Also called: Juvenile Nephronophthisis. Identifiers: Orphanet 655, MedGen C0687120, MONDO:0019005, HP:0000090.

gnomAD v4.1: 1 of 1,613,028 alleles (0.000062%); highest among the groups gnomAD compares: Non-Finnish European, 0.000085%; no homozygotes.

Submission:

Labcorp Genetics (formerly Invitae), Labcorp
Classification: Uncertain significance for Nephronophthisis. Last evaluated: 2023-12-22. Review status: criteria provided, single submitter. Criteria: Invitae Variant Classification Sherloc (09022015). Collection method: clinical testing. Allele origin: germline.
Comment: This sequence change replaces asparagine, which is neutral and polar, with histidine, which is basic and polar, at codon 689 of the INVS protein (p.Asn689His). This variant is not present in population databases (gnomAD no frequency). This variant has not been reported in the literature in individuals affected with INVS-related conditions. ClinVar contains an entry for this variant (Variation ID: 1015125). Algorithms developed to predict the effect of missense changes on protein structure and function output the following: SIFT: "Not Available"; PolyPhen-2: "Benign"; Align-GVGD: "Not Available". The histidine amino acid residue is found in multiple mammalian species, which suggests that this missense change does not adversely affect protein function. In summary, the available evidence is currently insufficient to determine the role of this variant in disease. Therefore, it has been classified as a Variant of Uncertain Significance.